The following is an entry in ClinVar:

NM_001184880.2(PCDH19):c.1693G>A (p.Ala565Thr)

Gene: PCDH19 (protocadherin 19; minus strand). Cytogenetic location: Xq22.1.
Variant type: single nucleotide variant.
Coding change: c.1693G>A on transcript NM_001184880.2 (MANE Select); coding-DNA position 1693, G replaced by A.
Protein change: p.Ala565Thr; replaces alanine 565 with threonine.
Molecular consequence: missense variant.
Genome position (GRCh38, 1-based): chrX:100,406,905, C>T on the plus strand (G>A on the coding strand, the complement: PCDH19 is on the minus strand). VCF-style: chrX-100406905-C-T. GRCh37 (hg19) VCF-style: chrX-99661903-C-T.
Other names: c.1693G>A, p.Ala565Thr (NM_001105243.2, NM_020766.3); c.1693G>A (NM_001184880.1); short protein forms A565T.
Identifiers: ClinVar variation 2754929 (VCV002754929.3), dbSNP rs1316928806, ClinGen allele CA414002174.

ClinVar aggregate classification (germline): Uncertain significance. Review status: criteria provided, multiple submitters, no conflicts (2 of 4 stars). 2 submissions from 2 submitters: Uncertain significance (2). Last evaluated 2024-01-29.

Conditions:
Developmental and epileptic encephalopathy, 9 (DEE9). Also called: PCDH19-Related X-Linked Female-Limited Epilepsy with Mental Retardation; Early infantile epileptic encephalopathy 9; JUBERG-HELLMAN SYNDROME; EPILEPSY, FEMALE-RESTRICTED, WITH MENTAL RETARDATION. Identifiers: Orphanet 101039, Orphanet 2076, MedGen C1848137, MONDO:0010246, OMIM 300088. Disease mechanism: loss of function.
Inborn genetic diseases. Identifiers: MedGen C0950123, MeSH D030342.

Allele frequency attached by ClinVar (database versions not stated): gnomAD exomes below 0.00001; TOPMed below 0.00001.

Submissions (2):

Ambry Genetics
Classification: Uncertain significance for Inborn genetic diseases. Last evaluated: 2024-01-29. Review status: criteria provided, single submitter. Criteria: Ambry Variant Classification Scheme 2023. Collection method: clinical testing. Allele origin: germline.

Labcorp Genetics (formerly Invitae), Labcorp
Classification: Uncertain significance for Developmental and epileptic encephalopathy, 9. Last evaluated: 2023-12-18. Review status: criteria provided, single submitter. Criteria: Invitae Variant Classification Sherloc (09022015). Collection method: clinical testing. Allele origin: germline.
Comment: This sequence change replaces alanine, which is neutral and non-polar, with threonine, which is neutral and polar, at codon 565 of the PCDH19 protein (p.Ala565Thr). This variant is present in population databases (no rsID available, gnomAD 0.008%). This variant has not been reported in the literature in individuals affected with PCDH19-related conditions. Advanced modeling of protein sequence and biophysical properties (such as structural, functional, and spatial information, amino acid conservation, physicochemical variation, residue mobility, and thermodynamic stability) performed at Invitae indicates that this missense variant is not expected to disrupt PCDH19 protein function with a negative predictive value of 95%. In summary, the available evidence is currently insufficient to determine the role of this variant in disease. Therefore, it has been classified as a Variant of Uncertain Significance.